The following is an entry in ClinVar:

NM_001032283.3(TMPO):c.565+2491G>T

Gene: TMPO (thymopoietin; plus strand). Cytogenetic location: 12q23.1.
Variant type: single nucleotide variant.
Coding change: c.565+2491G>T on transcript NM_001032283.3 (MANE Select); 2491 bases into the intron after coding-DNA position 565, G replaced by T.
Molecular consequence: intron variant. On other transcripts: missense variant (1).
Genome position (GRCh38, 1-based): chr12:98,534,329, G>T. VCF-style: chr12-98534329-G-T. GRCh37 (hg19) VCF-style: chr12-98928107-G-T.
Other names: c.2072G>T, p.Gly691Val (NM_003276.2); c.565+2491G>T (NM_001307975.2, NM_001032284.3); short protein forms G691V.
Identifiers: ClinVar variation 4597027 (VCV004597027.1).

ClinVar aggregate classification (germline): Uncertain significance (1 of 4 stars; one submission).

gnomAD v4.1: 1 of 1,612,288 alleles (0.000062%); no homozygotes.

Submission:

Ambry Genetics
Classification: Uncertain significance. Last evaluated: 2025-12-07. Review status: criteria provided, single submitter. Criteria: Ambry Variant Classification Scheme 2023. Collection method: clinical testing. Allele origin: germline.
Comment: The p.G691V variant (also known as c.2072G>T), located in coding exon 4 of the TMPO gene, results from a G to T substitution at nucleotide position 2072. The glycine at codon 691 is replaced by valine, an amino acid with dissimilar properties. This amino acid position is conserved. In addition, this alteration is predicted to be tolerated by in silico analysis. Based on the available evidence, the clinical significance of this variant remains unclear.